The following is an entry in ClinVar:

NM_001203.3(BMPR1B):c.1273C>T (p.Leu425Phe)

Gene: BMPR1B (bone morphogenetic protein receptor type 1B; plus strand). Cytogenetic location: 4q22.3.
Variant type: single nucleotide variant.
Coding change: c.1273C>T on transcript NM_001203.3 (MANE Select); coding-DNA position 1273, C replaced by T.
Protein change: p.Leu425Phe; replaces leucine 425 with phenylalanine.
Molecular consequence: missense variant.
Genome position (GRCh38, 1-based): chr4:95,152,663, C>T. VCF-style: chr4-95152663-C-T. GRCh37 (hg19) VCF-style: chr4-96073814-C-T.
Other names: c.1273C>T, p.Leu425Phe (NM_001256792.2, NM_001256794.1); c.1363C>T, p.Leu455Phe (NM_001256793.2); short protein forms L425F, L455F.
Identifiers: ClinVar variation 3749415 (VCV003749415.2).

ClinVar aggregate classification (germline): Uncertain significance (1 of 4 stars; one submission).

Conditions:
Type A2 brachydactyly (BDA2). Also called: MOHR-WRIEDT TYPE BRACHYDACTYLY; Brachymesophalangy type 2; BRACHYMESOPHALANGY II. Identifiers: Orphanet 93396, MedGen C1832702, MONDO:0007216, OMIM 112600, HP:0009372.
Acromesomelic dysplasia 3 (AMD3). Also called: Acromesomelic dysplasia, Demirhan type; CHONDRODYSPLASIA, ACROMESOMELIC, WITH OR WITHOUT GENITAL ANOMALIES. Identifiers: MedGen C4225404, MONDO:0012274, OMIM 609441.

gnomAD v4.1: 2 of 1,562,760 alleles (0.00013%); highest among the groups gnomAD compares: South Asian, 0.0012%; no homozygotes.

Submission:

Labcorp Genetics (formerly Invitae), Labcorp
Classification: Uncertain significance for Type A2 brachydactyly; Acromesomelic dysplasia 3. Last evaluated: 2024-11-19. Review status: criteria provided, single submitter. Criteria: Invitae Variant Classification Sherloc (09022015). Collection method: clinical testing. Allele origin: germline.
Comment: This sequence change replaces leucine, which is neutral and non-polar, with phenylalanine, which is neutral and non-polar, at codon 425 of the BMPR1B protein (p.Leu425Phe). This variant is not present in population databases (gnomAD no frequency). This variant has not been reported in the literature in individuals affected with BMPR1B-related conditions. Invitae Evidence Modeling of protein sequence and biophysical properties (such as structural, functional, and spatial information, amino acid conservation, physicochemical variation, residue mobility, and thermodynamic stability) has been performed for this missense variant. However, the output from this modeling did not meet the statistical confidence thresholds required to predict the impact of this variant on BMPR1B protein function. In summary, the available evidence is currently insufficient to determine the role of this variant in disease. Therefore, it has been classified as a Variant of Uncertain Significance.